The following is an entry in ClinVar:

NM_007194.4(CHEK2):c.1095G>A (p.Lys365=)

Gene: CHEK2 (checkpoint kinase 2; minus strand). Cytogenetic location: 22q12.1.
Variant type: single nucleotide variant.
Coding change: c.1095G>A on transcript NM_007194.4 (MANE Select); coding-DNA position 1095, G replaced by A.
Protein change: p.Lys365=; no amino-acid change (lysine 365 retained).
Molecular consequence: synonymous variant. On other transcripts: intron variant (3).
Genome position (GRCh38, 1-based): chr22:28,696,901, C>T on the plus strand (G>A on the coding strand, the complement: CHEK2 is on the minus strand). VCF-style: chr22-28696901-C-T. GRCh37 (hg19) VCF-style: chr22-29092889-C-T.
Other names: c.1224G>A, p.Lys408= (NM_001005735.3); c.432G>A, p.Lys144= (NM_001257387.3, NM_001437942.1); c.894G>A, p.Lys298= (NM_001349956.3); c.1188G>A, p.Lys396= (NM_001438293.1); c.1009-1028G>A (NM_145862.3); c.1102-1028G>A (NM_001438295.1); c.1138-1028G>A (NM_001438294.1).
Identifiers: ClinVar variation 645550 (VCV000645550.10), dbSNP rs1601726502, ClinGen allele CA513944958.
Genomic context (GRCh38, chr22:28,696,901, plus strand): 5'-TTAAAAGTTTCTGAACAAGAATCTACAGGAATAGCCACATACAGAATGCCAATTTCTTAC[C>T]TTTATAAGACAGTCCTCTTCTTGAGATGACAGTAAAACATTCTCTGGCTTTAAGTCACGG-3'
Protein context (NP_009125.1, residues 355-375): LSSQEEDCLI[Lys365=]ITDFGHSKIL

ClinVar aggregate classification (germline): Uncertain significance. Review status: criteria provided, multiple submitters, no conflicts (2 of 4 stars). 2 submissions from 2 submitters: Uncertain significance (2). Last evaluated 2025-10-10.

Conditions:
Familial cancer of breast. Also called: hereditary breast carcinoma; Hereditary breast cancer; BREAST CANCER, FAMILIAL. Identifiers: Orphanet 227535, MedGen C0346153, MONDO:0016419, OMIM 114480. Disease mechanism: loss of function.
Hereditary cancer-predisposing syndrome. Also called: Hereditary Cancer Syndrome; Tumor predisposition; Hereditary neoplastic syndrome; Neoplastic Syndromes, Hereditary. Identifiers: Orphanet 140162, MedGen C0027672, MeSH D009386, MONDO:0015356.

Submissions (2):

Ambry Genetics
Classification: Uncertain significance for Hereditary cancer-predisposing syndrome. Last evaluated: 2025-10-10. Review status: criteria provided, single submitter. Criteria: Ambry Variant Classification Scheme 2023. Collection method: clinical testing. Allele origin: germline.
Comment: The c.1095G>A variant (also known as p.K365K), located in coding exon 9 of the CHEK2 gene. This variant results from a G to A substitution at nucleotide position 1095. This nucleotide substitution does not change the amino acid at codon 365. However, this change occurs in the last base pair of coding exon 9, which makes it likely to have some effect on normal mRNA splicing. This nucleotide position is highly conserved in available vertebrate species. In silico splice site analysis for this alteration is inconclusive. Based on the available evidence, the clinical significance of this variant remains unclear.

Labcorp Genetics (formerly Invitae), Labcorp
Classification: Uncertain significance for Familial cancer of breast. Last evaluated: 2024-09-18. Review status: criteria provided, single submitter. Criteria: Invitae Variant Classification Sherloc (09022015). Collection method: clinical testing. Allele origin: germline.
Comment: This sequence change affects codon 365 of the CHEK2 mRNA. It is a 'silent' change, meaning that it does not change the encoded amino acid sequence of the CHEK2 protein. This variant also falls at the last nucleotide of exon 10, which is part of the consensus splice site for this exon. This variant is not present in population databases (gnomAD no frequency). This variant has not been reported in the literature in individuals affected with CHEK2-related conditions. ClinVar contains an entry for this variant (Variation ID: 645550). Variants that disrupt the consensus splice site are a relatively common cause of aberrant splicing (PMID: 17576681, 9536098). Algorithms developed to predict the effect of sequence changes on RNA splicing suggest that this variant may disrupt the consensus splice site. In summary, the available evidence is currently insufficient to determine the role of this variant in disease. Therefore, it has been classified as a Variant of Uncertain Significance.

Literature cited by the submitters: PubMed 17576681 (cited by Labcorp Genetics (formerly Invitae), Labcorp); PubMed 9536098 (cited by Labcorp Genetics (formerly Invitae), Labcorp).